The following is an entry in ClinVar:

NM_001164508.2(NEB):c.9554T>A (p.Phe3185Tyr)

Gene: NEB (nebulin; minus strand). Cytogenetic location: 2q23.3.
Variant type: single nucleotide variant.
Coding change: c.9554T>A on transcript NM_001164508.2 (MANE Select); coding-DNA position 9554, T replaced by A.
Protein change: p.Phe3185Tyr; replaces phenylalanine 3185 with tyrosine.
Molecular consequence: missense variant. On other transcripts: intron variant (1).
Genome position (GRCh38, 1-based): chr2:151,631,207, A>T on the plus strand (T>A on the coding strand, the complement: NEB is on the minus strand). VCF-style: chr2-151631207-A-T. GRCh37 (hg19) VCF-style: chr2-152487721-A-T.
Other names: c.9554T>A, p.Phe3185Tyr (NM_001164507.2, NM_001271208.2); c.8854-29T>A (NM_004543.5); short protein forms F3185Y.
Identifiers: ClinVar variation 4079388 (VCV004079388.2).

ClinVar aggregate classification (germline): Uncertain significance. Review status: criteria provided, multiple submitters, no conflicts (2 of 4 stars). 2 submissions from 2 submitters: Uncertain significance (2). Last evaluated 2025-03-04.

Submissions (2):

GeneDx
Classification: Uncertain significance. Last evaluated: 2025-03-04. Review status: criteria provided, single submitter. Criteria: GeneDx Variant Classification Process June 2021. Collection method: clinical testing. Allele origin: germline. Affected: yes.
Comment: Not observed at a significant frequency in large population cohorts (gnomAD); In silico analysis supports that this missense variant does not alter protein structure/function; Has not been previously published as pathogenic or benign to our knowledge

Revvity Omics, Revvity
Classification: Uncertain significance. Last evaluated: 2024-06-24. Review status: criteria provided, single submitter. Criteria: ACMG Guidelines, 2015. Collection method: clinical testing. Allele origin: germline.